The following is an entry in ClinVar:

NM_001130438.3(SPTAN1):c.1637C>T (p.Thr546Ile)

Gene: SPTAN1 (spectrin alpha, non-erythrocytic 1; plus strand). Cytogenetic location: 9q34.11.
Variant type: single nucleotide variant.
Coding change: c.1637C>T on transcript NM_001130438.3 (MANE Select); coding-DNA position 1637, C replaced by T.
Protein change: p.Thr546Ile; replaces threonine 546 with isoleucine.
Molecular consequence: missense variant.
Genome position (GRCh38, 1-based): chr9:128,582,543, C>T. VCF-style: chr9-128582543-C-T. GRCh37 (hg19) VCF-style: chr9-131344822-C-T.
Other names: c.1637C>T, p.Thr546Ile (NM_001195532.2, NM_001363759.2, NM_001363765.2 and 5 more transcripts); c.1673C>T, p.Thr558Ile (NM_001375312.2, NM_001375318.1); short protein forms T558I, T546I.
Identifiers: ClinVar variation 2783391 (VCV002783391.3), dbSNP rs1852071796, ClinGen allele CA375054858.

ClinVar aggregate classification (germline): Uncertain significance (1 of 4 stars; one submission).

Conditions:
Early-infantile DEE. Also called: Ohtahara syndrome; Early infantile epileptic encephalopathy; Early infantile epileptic encephalopathy with suppression bursts. Identifiers: Orphanet 1934, MedGen C0393706, MONDO:0800491.

Allele frequency attached by ClinVar (database versions not stated): gnomAD 0.00001; gnomAD exomes below 0.00001.
gnomAD v4.1: 9 of 1,613,824 alleles (0.00056%); highest among the groups gnomAD compares: African/African-American, 0.0093%; no homozygotes.

Submission:

Labcorp Genetics (formerly Invitae), Labcorp
Classification: Uncertain significance for Early-infantile DEE. Last evaluated: 2022-12-10. Review status: criteria provided, single submitter. Criteria: Invitae Variant Classification Sherloc (09022015). Collection method: clinical testing. Allele origin: germline.
Comment: In summary, the available evidence is currently insufficient to determine the role of this variant in disease. Therefore, it has been classified as a Variant of Uncertain Significance. Algorithms developed to predict the effect of missense changes on protein structure and function (SIFT, PolyPhen-2, Align-GVGD) all suggest that this variant is likely to be tolerated. This variant has not been reported in the literature in individuals affected with SPTAN1-related conditions. This variant is not present in population databases (gnomAD no frequency). This sequence change replaces threonine, which is neutral and polar, with isoleucine, which is neutral and non-polar, at codon 546 of the SPTAN1 protein (p.Thr546Ile).